The following is an entry in ClinVar:

NM_015046.7(SETX):c.7775C>T (p.Ala2592Val)

Gene: SETX (senataxin; minus strand). Cytogenetic location: 9q34.13.
Variant type: single nucleotide variant.
Coding change: c.7775C>T on transcript NM_015046.7 (MANE Select); coding-DNA position 7775, C replaced by T.
Protein change: p.Ala2592Val; replaces alanine 2592 with valine.
Molecular consequence: missense variant.
Genome position (GRCh38, 1-based): chr9:132,264,498, G>A on the plus strand (C>T on the coding strand, the complement: SETX is on the minus strand). VCF-style: chr9-132264498-G-A. GRCh37 (hg19) VCF-style: chr9-135139885-G-A.
Other names: c.7775C>T, p.Ala2592Val (NM_001351527.2); c.7862C>T, p.Ala2621Val (NM_001351528.2); short protein forms A2592V, A2621V.
Identifiers: ClinVar variation 912364 (VCV000912364.36), dbSNP rs1842534708, ClinGen allele CA375322887.

ClinVar aggregate classification (germline): Conflicting classifications of pathogenicity. Review status: criteria provided, conflicting classifications (1 of 4 stars). 5 submissions from 3 submitters: Uncertain significance (4); Likely benign (1). Last evaluated 2023-02-08.

Conditions:
Spinocerebellar ataxia, autosomal recessive, with axonal neuropathy 2 (SCAN2). Also called: Ataxia with Oculomotor Apraxia Type 2; ATAXIA-OCULOMOTOR APRAXIA 2; Ataxia with Oculomotor Apraxia; Ataxia-ocular apraxia-2. Identifiers: Orphanet 64753, MedGen C1853761, MONDO:0018996, OMIM 606002.
Amyotrophic lateral sclerosis type 4 (ALS4). Also called: AMYOTROPHIC LATERAL SCLEROSIS 4, JUVENILE; NEURONOPATHY, DISTAL HEREDITARY MOTOR, WITH PYRAMIDAL FEATURES. Identifiers: Orphanet 357043, MedGen C1865409, MONDO:0011223, OMIM 602433.

gnomAD v4.1: 4 of 1,613,900 alleles (0.00025%); highest among the groups gnomAD compares: African/African-American, 0.0013%; no homozygotes.

Submissions (5):

Genome-Nilou Lab
Classification: Uncertain significance for Spinocerebellar ataxia, autosomal recessive, with axonal neuropathy 2. Last evaluated: 2023-02-08. Review status: criteria provided, single submitter. Criteria: ACMG Guidelines, 2015. Collection method: clinical testing. Allele origin: germline.

Genome-Nilou Lab
Classification: Likely benign for Amyotrophic lateral sclerosis type 4. Last evaluated: 2023-02-08. Review status: criteria provided, single submitter. Criteria: ACMG Guidelines, 2015. Collection method: clinical testing. Allele origin: germline.

CeGaT Center for Human Genetics Tuebingen
Classification: Uncertain significance. Last evaluated: 2022-05-01. Review status: criteria provided, single submitter. Criteria: CeGaT Center For Human Genetics Tuebingen Variant Classification Criteria Version 2. Collection method: clinical testing. Allele origin: germline. Affected: yes. Observed: 1 variant allele.
Comment: SETX: PM2

Illumina Laboratory Services, Illumina
Classification: Uncertain significance for Amyotrophic lateral sclerosis type 4. Last evaluated: 2018-01-12. Review status: criteria provided, single submitter. Criteria: ICSL Variant Classification Criteria 13 December 2019. Collection method: clinical testing. Allele origin: germline.

Illumina Laboratory Services, Illumina
Classification: Uncertain significance for Spinocerebellar ataxia, autosomal recessive, with axonal neuropathy 2. Last evaluated: 2018-01-12. Review status: criteria provided, single submitter. Criteria: ICSL Variant Classification Criteria 13 December 2019. Collection method: clinical testing. Allele origin: germline.